The following continues an entry in ClinVar:

NM_020975.6(RET):c.874G>A (p.Val292Met)

Gene: RET. ClinVar aggregate classification (germline): Conflicting classifications of pathogenicity. Uncertain significance (4); Benign (6); Likely benign (10).

Submissions 18 to 22 of 22:

GeneDx
Classification: Uncertain significance. Last evaluated: 2017-07-07. Review status: criteria provided, single submitter. Criteria: GeneDx Variant Classification (06012015). Collection method: clinical testing. Allele origin: germline. Affected: yes.
Comment: This variant is denoted RET c.874G>A at the cDNA level, p.Val292Met (V292M) at the protein level, andresults in the change of a Valine to a Methionine (GTG>ATG). This variant was observed in at least one individual withpheochromocytoma and medullary thyroid cancer and four individuals with Hirschsprung disease (Castellone 2010, So2011, Ngo 2012). This variant has also been identified in 1/62 healthy East Asian individuals undergoing wholegenome sequencing (Bodian 2014). Of note, the participants in this study were younger than 50 years old thus theunaffected status of this individual may not be significant. RET Val292Met was observed at an allele frequency of0.624% (52/8336) in individuals of East Asian ancestry in large population cohorts (NHLBI Exome Sequencing Project,The 1000 Genomes Consortium 2015, Lek 2016).Since Valine and Methionine share similar properties, this is considered a conservative amino acid substitution. RETVal292Met occurs at a position that is conserved across species and is located in the extracellular topological domainand cadherin domain (Garcia-Barcelo 2004). In silico analyses are inconsistent regarding the effect this variant mayhave on protein structure and function. Based on currently available evidence, it is unclear whether RET Val292Met isa pathogenic or benign variant. We consider it to be a variant of uncertain significance.

PreventionGenetics, part of Exact Sciences
Classification: Likely benign. Last evaluated: 2017-05-04. Review status: criteria provided, single submitter. Criteria: ACMG Guidelines, 2015. Collection method: clinical testing. Allele origin: germline.

Center for Pediatric Genomic Medicine, Children's Mercy Hospital and Clinics
Classification: Benign. Last evaluated: 2017-04-12. Review status: criteria provided, single submitter. Criteria: ACMG Guidelines, 2015. Collection method: clinical testing. Allele origin: germline.

ITMI
No classification provided. Condition: AllHighlyPenetrant. Last evaluated: 2013-09-19. Review status: no classification provided. Collection method: reference population. Allele origin: germline. Not counted in ClinVar's aggregate classification.
Comment: Please see associated publication for description of ethnicities

Biesecker Lab/Clinical Genomics Section, National Institutes of Health
Classification: Uncertain significance. Last evaluated: 2012-07-13. Review status: no assertion criteria provided. Collection method: research. Allele origin: germline. Affected: no. Observed: 1 variant allele. Study: ClinSeq. Not counted in ClinVar's aggregate classification.
ClinVar note: Converted during submission from variant of unknown significance to Uncertain significance.

Literature cited by the submitters: PubMed 20039896 (cited by 4 submitters); PubMed 24728327 (cited by 5 submitters); PubMed 23084198 (cited by 3 submitters); PubMed 21655256 (cited by 4 submitters); PubMed 22174939 (cited by 3 submitters); PubMed 32164334 (cited by Quest Diagnostics Nichols Institute San Juan Capistrano and Ambry Genetics); PubMed 17344846 (cited by Quest Diagnostics Nichols Institute San Juan Capistrano); PubMed 32989896 (cited by 3 submitters); PubMed 33340421 (cited by Quest Diagnostics Nichols Institute San Juan Capistrano and Sema4); PubMed 33563768 (cited by Quest Diagnostics Nichols Institute San Juan Capistrano); PubMed 27077130 (cited by Quest Diagnostics Nichols Institute San Juan Capistrano and Sema4); PubMed 25985138 (cited by 3 submitters); PubMed 25425582 (cited by Quest Diagnostics Nichols Institute San Juan Capistrano); PubMed 23210566 (cited by Quest Diagnostics Nichols Institute San Juan Capistrano); PubMed 23849459 (cited by Quest Diagnostics Nichols Institute San Juan Capistrano and Sema4); PubMed 31019283 (cited by Quest Diagnostics Nichols Institute San Juan Capistrano and Sema4); PubMed 26556299 (cited by Quest Diagnostics Nichols Institute San Juan Capistrano); PubMed 29420094 (cited by Sema4); PubMed 26332594 (cited by Sema4).